The following is an entry in ClinVar:

ClinVar aggregate classification (germline): Conflicting classifications of pathogenicity. Review status: criteria provided, conflicting classifications (1 of 4 stars). 2 submissions from 2 submitters: Uncertain significance (1); Likely benign (1). Last evaluated 2025-03-01.

gnomAD v4.1: 34 of 1,210,312 alleles (0.0028%); highest among the groups gnomAD compares: East Asian, 0.027%; no homozygotes.

Submissions (2):

Labcorp Genetics (formerly Invitae), Labcorp
Classification: Uncertain significance. Last evaluated: 2025-03-01. Review status: criteria provided, single submitter. Criteria: Invitae Variant Classification Sherloc (09022015). Collection method: clinical testing. Allele origin: germline.
Comment: This sequence change replaces arginine, which is basic and polar, with histidine, which is basic and polar, at codon 883 of the TLR7 protein (p.Arg883His). This variant is present in population databases (rs201674409, gnomAD 0.03%). This variant has not been reported in the literature in individuals affected with TLR7-related conditions. An algorithm developed to predict the effect of missense changes on protein structure and function outputs the following: PolyPhen-2: "Benign". The histidine amino acid residue is found in multiple mammalian species, which suggests that this missense change does not adversely affect protein function. In summary, the available evidence is currently insufficient to determine the role of this variant in disease. Therefore, it has been classified as a Variant of Uncertain Significance.

CeGaT Center for Human Genetics Tuebingen
Classification: Likely benign. Last evaluated: 2025-02-01. Review status: criteria provided, single submitter. Criteria: CeGaT Center For Human Genetics Tuebingen Variant Classification Criteria Version 2. Collection method: clinical testing. Allele origin: germline. Affected: yes. Observed: 1 variant allele.
Comment: TLR7: BP4, BS2

NM_016562.4(TLR7):c.2648G>A (p.Arg883His)

Gene: TLR7 (toll like receptor 7; plus strand). Cytogenetic location: Xp22.2.
Variant type: single nucleotide variant.
Coding change: c.2648G>A on transcript NM_016562.4 (MANE Select); coding-DNA position 2648, G replaced by A.
Protein change: p.Arg883His; replaces arginine 883 with histidine.
Molecular consequence: missense variant.
Genome position (GRCh38, 1-based): chrX:12,888,156, G>A. VCF-style: chrX-12888156-G-A. GRCh37 (hg19) VCF-style: chrX-12906275-G-A.
Other names: short protein forms R883H.
Identifiers: ClinVar variation 3771315 (VCV003771315.14).